The following is an entry in ClinVar:

NM_205834.4(LSR):c.1105C>T (p.Pro369Ser)

Gene: LSR (lipolysis stimulated lipoprotein receptor; plus strand). Cytogenetic location: 19q13.12.
Variant type: single nucleotide variant.
Coding change: c.1105C>T on transcript NM_205834.4 (MANE Select); coding-DNA position 1105, C replaced by T.
Protein change: p.Pro369Ser; replaces proline 369 with serine.
Molecular consequence: missense variant.
Genome position (GRCh38, 1-based): chr19:35,266,928, C>T. VCF-style: chr19-35266928-C-T. GRCh37 (hg19) VCF-style: chr19-35757831-C-T.
Other names: c.1045C>T, p.Pro349Ser (NM_001260489.2); c.781C>T, p.Pro261Ser (NM_001260490.2); c.898C>T, p.Pro300Ser (NM_001385215.1); c.1048C>T, p.Pro350Ser (NM_015925.7); c.901C>T, p.Pro301Ser (NM_205835.4); short protein forms P349S, P300S, P350S, P261S, P301S, P369S.
Identifiers: ClinVar variation 4983911 (VCV004983911.1).

ClinVar aggregate classification (germline): Uncertain significance (1 of 4 stars; one submission).

Conditions:
LSR-related condition.

gnomAD v4.1: 18 of 1,613,702 alleles (0.0011%); highest among the groups gnomAD compares: East Asian, 0.031%; no homozygotes.

Submission:

PreventionGenetics, part of Exact Sciences
Classification: Uncertain significance for LSR-related condition. Last evaluated: 2026-03-23. Review status: criteria provided, single submitter. Criteria: ACMG Guidelines, 2015. Collection method: clinical testing. Allele origin: germline.
Comment: The LSR c.1249C>T variant is predicted to result in the amino acid substitution p.Pro417Ser. To our knowledge, this variant has not been reported in the literature. This variant is reported in 0.049% of alleles in individuals of East Asian descent in gnomAD. At this time, the clinical significance of this variant is uncertain due to the absence of conclusive functional and genetic evidence.